The following is an entry in ClinVar:

ClinVar aggregate classification (germline): Uncertain significance (1 of 4 stars; one submission).

gnomAD v4.1: 17 of 1,197,788 alleles (0.0014%); highest among the groups gnomAD compares: African/African-American, 0.019%; no homozygotes.

Submission:

Women's Health and Genetics/Laboratory Corporation of America, LabCorp
Classification: Uncertain significance. Last evaluated: 2024-09-13. Review status: criteria provided, single submitter. Criteria: LabCorp Variant Classification Summary - May 2015. Collection method: clinical testing. Allele origin: germline.
Comment: Variant summary: HERC2 c.5550A>T (p.Glu1850Asp) results in a conservative amino acid change in the encoded protein sequence. Three of four in-silico tools predict a benign effect of the variant on protein function. The variant allele was found at a frequency of 3.5e-05 in 199716 control chromosomes (gnomAD v2.1). The available data on variant occurrences in the general population are insufficient to allow any conclusion about variant significance. To our knowledge, no occurrence of c.5550A>T in individuals affected with Intellectual Developmental Disorder, Autosomal Recessive 38 and no experimental evidence demonstrating its impact on protein function have been reported. No submitters have cited clinical-significance assessments for this variant to ClinVar. Based on the evidence outlined above, the variant was classified as uncertain significance.

NM_004667.6(HERC2):c.5550A>T (p.Glu1850Asp)

Gene: HERC2 (HECT and RLD domain containing E3 ubiquitin protein ligase 2; minus strand). Cytogenetic location: 15q13.1.
Variant type: single nucleotide variant.
Coding change: c.5550A>T on transcript NM_004667.6 (MANE Select); coding-DNA position 5550, A replaced by T.
Protein change: p.Glu1850Asp; replaces glutamic acid 1850 with aspartic acid.
Molecular consequence: missense variant.
Genome position (GRCh38, 1-based): chr15:28,222,130, T>A on the plus strand (A>T on the coding strand, the complement: HERC2 is on the minus strand). VCF-style: chr15-28222130-T-A. GRCh37 (hg19) VCF-style: chr15-28467276-T-A.
Other names: short protein forms E1850D.
Identifiers: ClinVar variation 3374821 (VCV003374821.1).